The following is an entry in ClinVar:

ClinVar aggregate classification (germline): Pathogenic (1 of 4 stars; one submission).

Submission:

Labcorp Genetics (formerly Invitae), Labcorp
Classification: Pathogenic. Last evaluated: 2023-03-20. Review status: criteria provided, single submitter. Criteria: Invitae Variant Classification Sherloc (09022015). Collection method: clinical testing. Allele origin: germline.
Comment: For these reasons, this variant has been classified as Pathogenic. This variant has not been reported in the literature in individuals affected with LZTR1-related conditions. This variant is not present in population databases (gnomAD no frequency). This sequence change creates a premature translational stop signal (p.Thr349Profs*2) in the LZTR1 gene. It is expected to result in an absent or disrupted protein product. Loss-of-function variants in LZTR1 are known to be pathogenic (PMID: 24362817, 25335493, 25480913, 25795793, 29469822, 30368668, 30442762, 30442766, 30481304, 30859559).

Literature cited by the submitters: PubMed 24362817; PubMed 25335493; PubMed 25480913; PubMed 25795793; PubMed 29469822; PubMed 30368668; PubMed 30442762; PubMed 30442766; PubMed 30481304; PubMed 30859559.

NM_006767.4(LZTR1):c.1045del (p.Thr349fs)

Gene: LZTR1 (leucine zipper like post translational regulator 1; plus strand). Cytogenetic location: 22q11.21.
Variant type: Deletion.
Coding change: c.1045del on transcript NM_006767.4 (MANE Select); coding-DNA position 1045, one base deleted (A; older notation c.1045delA).
Protein change: p.Thr349fs; shifts the reading frame from threonine 349.
Molecular consequence: frameshift variant.
Genome position (GRCh38, 1-based): chr22:20,992,265, A deleted. VCF-style (leftmost placement, unchanged base first): chr22-20992264-CA-C. GRCh37 (hg19) VCF-style: chr22-21346553-CA-C.
Other names: short protein forms T349fs.
Identifiers: ClinVar variation 2847749 (VCV002847749.3), dbSNP rs2518618000, ClinGen allele CA2739267816.